The following is an entry in ClinVar:

ClinVar aggregate classification (germline): Uncertain significance. Review status: criteria provided, multiple submitters, no conflicts (2 of 4 stars). 2 submissions from 2 submitters: Uncertain significance (2). Last evaluated 2024-03-08.

Conditions:
Congenital myasthenic syndrome 8. Also called: MYASTHENIC SYNDROME, CONGENITAL, DUE TO AGRIN DEFICIENCY; Myasthenic syndrome, congenital, 8, with pre- and postsynaptic defects. Identifiers: Orphanet 590, MedGen C3808739, MONDO:0014052, OMIM 615120.
Inborn genetic diseases. Identifiers: MedGen C0950123, MeSH D030342.

Allele frequency attached by ClinVar (database versions not stated): TOPMed 0.00036; ESP Exome Variant Server 0.00047.
gnomAD v4.1: 86 of 1,572,964 alleles (0.0055%); highest among the groups gnomAD compares: African/African-American, 0.11%; 1 homozygote.

Submissions (2):

Ambry Genetics
Classification: Uncertain significance for Inborn genetic diseases. Last evaluated: 2024-03-08. Review status: criteria provided, single submitter. Criteria: Ambry Variant Classification Scheme 2023. Collection method: clinical testing. Allele origin: germline.

Labcorp Genetics (formerly Invitae), Labcorp
Classification: Uncertain significance for Congenital myasthenic syndrome 8. Last evaluated: 2022-08-09. Review status: criteria provided, single submitter. Criteria: Invitae Variant Classification Sherloc (09022015). Collection method: clinical testing. Allele origin: germline.
Comment: This sequence change replaces histidine, which is basic and polar, with arginine, which is basic and polar, at codon 1551 of the AGRN protein (p.His1551Arg). This variant is present in population databases (rs377529093, gnomAD 0.2%). This variant has not been reported in the literature in individuals affected with AGRN-related conditions. ClinVar contains an entry for this variant (Variation ID: 939557). Algorithms developed to predict the effect of missense changes on protein structure and function are either unavailable or do not agree on the potential impact of this missense change (SIFT: "Deleterious"; PolyPhen-2: "Benign"; Align-GVGD: "Class C0"). In summary, the available evidence is currently insufficient to determine the role of this variant in disease. Therefore, it has been classified as a Variant of Uncertain Significance.

NM_198576.4(AGRN):c.4652A>G (p.His1551Arg)

Gene: AGRN (agrin; plus strand). Cytogenetic location: 1p36.33.
Variant type: single nucleotide variant.
Coding change: c.4652A>G on transcript NM_198576.4 (MANE Select); coding-DNA position 4652, A replaced by G.
Protein change: p.His1551Arg; replaces histidine 1551 with arginine.
Molecular consequence: missense variant.
Genome position (GRCh38, 1-based): chr1:1,049,703, A>G. VCF-style: chr1-1049703-A-G. GRCh37 (hg19) VCF-style: chr1-985083-A-G.
Other names: c.4652A>G, p.His1551Arg (NM_001305275.2); c.4337A>G, p.His1446Arg (NM_001364727.2); short protein forms H1551R, H1446R.
Identifiers: ClinVar variation 939557 (VCV000939557.4), dbSNP rs377529093, ClinGen allele CA509564.